The following is an entry in ClinVar:

NM_003383.5(VLDLR):c.1484+28T>G

Gene: VLDLR (very low density lipoprotein receptor; plus strand). Cytogenetic location: 9p24.2.
Variant type: single nucleotide variant.
Coding change: c.1484+28T>G on transcript NM_003383.5 (MANE Select); 28 bases into the intron after coding-DNA position 1484, T replaced by G.
Molecular consequence: intron variant.
Genome position (GRCh38, 1-based): chr9:2,645,773, T>G. VCF-style: chr9-2645773-T-G. GRCh37 (hg19) VCF-style: chr9-2645773-T-G.
Other names: c.1484+28T>G (NM_001018056.3); c.1361+28T>G (NM_001322225.2, NM_001322226.2).
Identifiers: ClinVar variation 674398 (VCV000674398.2), dbSNP rs35847091, ClinGen allele CA4964848.

ClinVar aggregate classification (germline): Benign. Review status: criteria provided, multiple submitters, no conflicts (2 of 4 stars). 2 submissions from 2 submitters: Benign (2). Last evaluated 2018-06-19.

Allele frequency attached by ClinVar (database versions not stated): 1000 Genomes Project 0.07109; 1000 Genomes Project 30x 0.07152; TOPMed 0.12236; gnomAD 0.13426 and 0.13614; ESP Exome Variant Server 0.13847; gnomAD exomes 0.14094; ExAC 0.14224.

Submissions (2):

GeneDx
Classification: Benign. Last evaluated: 2018-06-19. Review status: criteria provided, single submitter. Criteria: GeneDx Variant Classification (06012015). Collection method: clinical testing. Allele origin: germline. Affected: yes.
Comment: This variant is considered likely benign or benign based on one or more of the following criteria: it is a conservative change, it occurs at a poorly conserved position in the protein, it is predicted to be benign by multiple in silico algorithms, and/or has population frequency not consistent with disease.

Breakthrough Genomics
Classification: Benign. Review status: criteria provided, single submitter. Criteria: ACMG Guidelines, 2015. Collection method: not provided. Allele origin: germline. Inheritance: Autosomal recessive inheritance. Affected: yes.